The following is an entry in ClinVar:

NM_000059.4(BRCA2):c.5144T>G (p.Leu1715Trp)

Gene: BRCA2 (BRCA2 DNA repair associated; plus strand). Cytogenetic location: 13q13.1.
Variant type: single nucleotide variant.
Coding change: c.5144T>G on transcript NM_000059.4 (MANE Select); coding-DNA position 5144, T replaced by G.
Protein change: p.Leu1715Trp; replaces leucine 1715 with tryptophan.
Molecular consequence: missense variant.
Genome position (GRCh38, 1-based): chr13:32,339,499, T>G. VCF-style: chr13-32339499-T-G. GRCh37 (hg19) VCF-style: chr13-32913636-T-G.
Other names: short protein forms L1715W.
Identifiers: ClinVar variation 419087 (VCV000419087.8), dbSNP rs1064793634, ClinGen allele CA16619720.

ClinVar aggregate classification (germline): Conflicting classifications of pathogenicity. Review status: criteria provided, conflicting classifications (1 of 4 stars). 3 submissions from 3 submitters: Uncertain significance (2); Likely benign (1). Last evaluated 2023-03-23.

Conditions:
Hereditary breast ovarian cancer syndrome. Also called: Hereditary breast and ovarian cancer; Hereditary breast and/or ovarian cancer syndrome; Hereditary breast and ovarian cancer syndrome; Hereditary breast and ovarian cancer syndrome (HBOC); Breast and ovarian cancer; BRCA1- and BRCA2-Associated Hereditary Breast and Ovarian Cancer. Identifiers: Orphanet 145, MedGen C0677776, MeSH D061325, MONDO:0003582. Disease mechanism: loss of function.
Hereditary cancer-predisposing syndrome. Also called: Hereditary neoplastic syndrome; Tumor predisposition; Neoplastic Syndromes, Hereditary; Hereditary Cancer Syndrome. Identifiers: Orphanet 140162, MedGen C0027672, MeSH D009386, MONDO:0015356.

Submissions (3):

University of Washington Department of Laboratory Medicine, University of Washington
Classification: Likely benign for Hereditary cancer-predisposing syndrome. Last evaluated: 2023-03-23. Review status: criteria provided, single submitter. Criteria: Dines et al. (Genet Med. 2020). Collection method: curation. Allele origin: germline.
Comment: Missense variant in a coldspot region where missense variants are very unlikely to be pathogenic (PMID:31911673).

BRCA2 exon 11 coldspot. Reclassification based on statistical prior probability.

Labcorp Genetics (formerly Invitae), Labcorp
Classification: Uncertain significance for Hereditary breast ovarian cancer syndrome. Last evaluated: 2022-04-11. Review status: criteria provided, single submitter. Criteria: Invitae Variant Classification Sherloc (09022015). Collection method: clinical testing. Allele origin: germline.
Comment: This sequence change replaces leucine, which is neutral and non-polar, with tryptophan, which is neutral and slightly polar, at codon 1715 of the BRCA2 protein (p.Leu1715Trp). This variant is not present in population databases (gnomAD no frequency). This variant has not been reported in the literature in individuals affected with BRCA2-related conditions. ClinVar contains an entry for this variant (Variation ID: 419087). Advanced modeling of protein sequence and biophysical properties (such as structural, functional, and spatial information, amino acid conservation, physicochemical variation, residue mobility, and thermodynamic stability) performed at Invitae indicates that this missense variant is not expected to disrupt BRCA2 protein function. In summary, the available evidence is currently insufficient to determine the role of this variant in disease. Therefore, it has been classified as a Variant of Uncertain Significance.

GeneDx
Classification: Uncertain significance. Last evaluated: 2015-05-18. Review status: criteria provided, single submitter. Criteria: GeneDx Variant Classification (06012015). Collection method: clinical testing. Allele origin: germline. Affected: yes.
Comment: This variant is denoted BRCA2 c.5144T>G at the cDNA level, p.Leu1715Trp (L1715W) at the protein level, and results in the change of a Leucine to a Tryptophan (TTG>TGG). Using alternate nomenclature, this variant would be defined as BRCA2 5372T>G. This variant has not, to our knowledge, been published in the literature as pathogenic or benign. BRCA2 Leu1715Trp was not observed in approximately 6,500 individuals of European and African American ancestry in the NHLBI Exome Sequencing Project, indicating it is not a common benign variant in these populations. Since Leucine and Tryptophan differ in some properties, this is considered a semi-conservative amino acid substitution. BRCA2 Leu1715Trp occurs at a position that is not conserved and is located in the BRC repeats region that interacts with RAD51 (Roy 2012). In silico analyses are inconsistent regarding the effect this variant may have on protein structure and function. Based on currently available information, it is unclear whether BRCA2 Leu1715Trp is pathogenic or benign. We consider it to be a variant of uncertain significance.